The following is an entry in ClinVar:

ClinVar aggregate classification (germline): Uncertain significance (1 of 4 stars; one submission).

Submission:

Ambry Genetics
Classification: Uncertain significance. Last evaluated: 2025-06-08. Review status: criteria provided, single submitter. Criteria: Ambry Variant Classification Scheme 2023. Collection method: clinical testing. Allele origin: germline.
Comment: The p.H340Y variant (also known as c.1018C>T), located in coding exon 8 of the RNF43 gene, results from a C to T substitution at nucleotide position 1018. The histidine at codon 340 is replaced by tyrosine, an amino acid with similar properties. This amino acid position is conserved. In addition, this alteration is predicted to be tolerated by in silico analysis. Based on the available evidence, the clinical significance of this variant remains unclear.

NM_017763.6(RNF43):c.1018C>T (p.His340Tyr)

Gene: RNF43 (ring finger protein 43; minus strand). Cytogenetic location: 17q22.
Variant type: single nucleotide variant.
Coding change: c.1018C>T on transcript NM_017763.6 (MANE Select); coding-DNA position 1018, C replaced by T.
Protein change: p.His340Tyr; replaces histidine 340 with tyrosine.
Molecular consequence: missense variant.
Genome position (GRCh38, 1-based): chr17:58,358,758, G>A on the plus strand (C>T on the coding strand, the complement: RNF43 is on the minus strand). VCF-style: chr17-58358758-G-A. GRCh37 (hg19) VCF-style: chr17-56436119-G-A.
Other names: c.1018C>T, p.His340Tyr (NM_001305544.3); c.637C>T, p.His213Tyr (NM_001305545.2); short protein forms H340Y, H213Y.
Identifiers: ClinVar variation 3946937 (VCV003946937.1).